The following is an entry in ClinVar:

NM_004004.6(GJB2):c.308A>G (p.Lys103Arg)

Gene: GJB2 (gap junction protein beta 2; minus strand). Cytogenetic location: 13q12.11.
Variant type: single nucleotide variant.
Coding change: c.308A>G on transcript NM_004004.6 (MANE Select); coding-DNA position 308, A replaced by G.
Protein change: p.Lys103Arg; replaces lysine 103 with arginine.
Molecular consequence: missense variant.
Genome position (GRCh38, 1-based): chr13:20,189,274, T>C on the plus strand (A>G on the coding strand, the complement: GJB2 is on the minus strand). VCF-style: chr13-20189274-T-C. GRCh37 (hg19) VCF-style: chr13-20763413-T-C.
Other names: short protein forms K103R.
Identifiers: ClinVar variation 1305927 (VCV001305927.2), dbSNP rs915521910, ClinGen allele CA387461424.
Genomic context (GRCh38, chr13:20,189,274, plus strand): 5'-GTTTTGATCTCCTCGATGTCCTTAAATTCACTCTTTATCTCCCCCTTGATGAACTTCCTC[T>C]TCTTCTCATGTCTCCGGTAGGCCACGTGCATGGCCACTAGGAGCGCTGGCGTGGACACGA-3'
Protein context (NP_003995.2, residues 93-113): MHVAYRRHEK[Lys103Arg]RKFIKGEIKS

ClinVar aggregate classification (germline): Uncertain significance (1 of 4 stars; one submission).

Allele frequency attached by ClinVar (database versions not stated): gnomAD exomes below 0.00001.
gnomAD v4.1: 6 of 1,613,780 alleles (0.00037%); highest among the groups gnomAD compares: Admixed American, 0.01%; no homozygotes.

Submission:

GeneDx
Classification: Uncertain significance. Last evaluated: 2020-01-22. Review status: criteria provided, single submitter. Criteria: GeneDx Variant Classification Process June 2021. Collection method: clinical testing. Allele origin: germline. Affected: yes.
Comment: Observed in the heterozygous state in a patient with hearing loss in published literature (Huang et al., 2018); In silico analysis, which includes protein predictors and evolutionary conservation, supports that this variant does not alter protein structure/function; Not observed at a significant frequency in large population cohorts (Lek et al., 2016); This variant is associated with the following publications: (PMID: 29605365)